The following is an entry in ClinVar:

ClinVar aggregate classification (germline): Uncertain significance (1 of 4 stars; one submission).

Submission:

Ambry Genetics
Classification: Uncertain significance. Last evaluated: 2024-08-22. Review status: criteria provided, single submitter. Criteria: Ambry Variant Classification Scheme 2023. Collection method: clinical testing. Allele origin: germline.
Comment: The p.S156G variant (also known as c.466A>G), located in coding exon 1 of the EGLN2 gene, results from an A to G substitution at nucleotide position 466. The serine at codon 156 is replaced by glycine, an amino acid with similar properties. This amino acid position is conserved. In addition, this alteration is predicted to be tolerated by in silico analysis. Based on the available evidence, the clinical significance of this variant remains unclear.

NM_080732.4(EGLN2):c.466A>G (p.Ser156Gly)

Genes: EGLN2 (egl-9 family hypoxia inducible factor 2; plus strand), RAB4B-EGLN2 (RAB4B-EGLN2 readthrough (NMD candidate); plus strand). Cytogenetic location: 19q13.2.
Variant type: single nucleotide variant.
Coding change: c.466A>G on transcript NM_080732.4 (MANE Select); coding-DNA position 466, A replaced by G.
Protein change: p.Ser156Gly; replaces serine 156 with glycine.
Molecular consequence: missense variant. On other transcripts: non-coding transcript variant (1).
Genome position (GRCh38, 1-based): chr19:40,801,038, A>G. VCF-style: chr19-40801038-A-G. GRCh37 (hg19) VCF-style: chr19-41306943-A-G.
Other names: c.466A>G, p.Ser156Gly (NM_053046.4); short protein forms S156G.
Identifiers: ClinVar variation 3507277 (VCV003507277.1).
Genomic context (GRCh38, chr19:40,801,038, plus strand): 5'-TGGGCCAGGCAAGAGAACCAGGAGGCAGAGCGGGAGGGTGGCATGAGCTGCAGCTGCAGC[A>G]GTGGCAGTGGTGAGGCCAGTGCTGGGCTGATGGAGGAGGCGCTGCCCTCTGCGCCCGAGC-3'
Protein context (NP_542770.2, residues 146-166): REGGMSCSCS[Ser156Gly]GSGEASAGLM